The following is an entry in ClinVar:

NM_001042492.3(NF1):c.50T>C (p.Phe17Ser)

Genes: MIR4733HG (MIR4733 host gene; minus strand), NF1 (neurofibromin 1; plus strand), LOC111811965 (NF1 (neurofibromin 1) promoter region; plus strand). Cytogenetic location: 17q11.2.
Variant type: single nucleotide variant.
Coding change: c.50T>C on transcript NM_001042492.3 (MANE Select); coding-DNA position 50, T replaced by C.
Protein change: p.Phe17Ser; replaces phenylalanine 17 with serine.
Molecular consequence: missense variant. On other transcripts: non-coding transcript variant (1).
Genome position (GRCh38, 1-based): chr17:31,095,359, T>C. VCF-style: chr17-31095359-T-C. GRCh37 (hg19) VCF-style: chr17-29422377-T-C.
Other names: c.50T>C, p.Phe17Ser (NM_000267.4, NM_001128147.3); short protein forms F17S.
Identifiers: ClinVar variation 1679935 (VCV001679935.9), dbSNP rs1911557433, ClinGen allele CA398979385.

ClinVar aggregate classification (germline): Conflicting classifications of pathogenicity. Review status: criteria provided, conflicting classifications (1 of 4 stars). 3 submissions from 3 submitters: Likely pathogenic (1); Uncertain significance (1). 1 of the submissions does not count toward it. Last evaluated 2024-07-10.

Conditions:
Hereditary cancer-predisposing syndrome. Also called: Neoplastic Syndromes, Hereditary; Hereditary neoplastic syndrome; Tumor predisposition; Hereditary Cancer Syndrome. Identifiers: Orphanet 140162, MedGen C0027672, MeSH D009386, MONDO:0015356.
Cardiovascular phenotype. Identifiers: MedGen CN230736.
Neurofibromatosis, type 1 (NF1). Also called: Neurofibromatosis, type I; NEUROFIBROMATOSIS, TYPE I, SOMATIC; VON RECKLINGHAUSEN DISEASE; Peripheral type neurofibromatosis. Identifiers: Orphanet 636, MedGen C0027831, MONDO:0018975, OMIM 162200. Disease mechanism: loss of function.

Submissions (3):

Labcorp Genetics (formerly Invitae), Labcorp
Classification: Likely pathogenic for Neurofibromatosis, type 1. Last evaluated: 2024-07-10. Review status: criteria provided, single submitter. Criteria: Invitae Variant Classification Sherloc (09022015). Collection method: clinical testing. Allele origin: germline.
Comment: This sequence change replaces phenylalanine, which is neutral and non-polar, with serine, which is neutral and polar, at codon 17 of the NF1 protein (p.Phe17Ser). This variant is not present in population databases (gnomAD no frequency). This missense change has been observed in individual(s) with neurofibromatosis, type 1 (PMID: 31776437). ClinVar contains an entry for this variant (Variation ID: 1679935). Advanced modeling of protein sequence and biophysical properties (such as structural, functional, and spatial information, amino acid conservation, physicochemical variation, residue mobility, and thermodynamic stability) performed at Invitae indicates that this missense variant is expected to disrupt NF1 protein function with a positive predictive value of 95%. In summary, the currently available evidence indicates that the variant is pathogenic, but additional data are needed to prove that conclusively. Therefore, this variant has been classified as Likely Pathogenic.

Ambry Genetics
Classification: Uncertain significance for Cardiovascular phenotype; Hereditary cancer-predisposing syndrome. Last evaluated: 2022-02-16. Review status: criteria provided, single submitter. Criteria: Ambry Variant Classification Scheme 2023. Collection method: clinical testing. Allele origin: germline.
Comment: The p.F17S variant (also known as c.50T>C), located in coding exon 1 of the NF1 gene, results from a T to C substitution at nucleotide position 50. The phenylalanine at codon 17 is replaced by serine, an amino acid with highly dissimilar properties. This alteration was identified in a cohort of Korean patients with a confirmed or suspected clinical diagnosis of neurofibromatosis type 1 (Kang E et al. J Hum Genet, 2020 Jan;65:79-89). This amino acid position is highly conserved in available vertebrate species. In addition, this alteration is predicted to be deleterious by in silico analysis. Since supporting evidence is limited at this time, the clinical significance of this alteration remains unclear.

Hereditary Cancer Clinic, Medical College of Georgia
Classification: Likely pathogenic for Neurofibromatosis, type 1. Last evaluated: 2022-05-09. Review status: no assertion criteria provided. Collection method: clinical testing. Allele origin: germline. Inheritance: Autosomal dominant inheritance. Affected: yes. Observed: 1 heterozygote. Not counted in ClinVar's aggregate classification.
Comment: PM2 Absent from controls. PP3 Multiple lines of computational evidence. PP4 Patient's phenotype is highly specific for a disease with a single genetic etiology. PP5 Reputable source recently reports variant as pathogenic (Variant reported in two individuals with NF1, one of whom had maternal inheritance of NF1. Kang E, Journal of Human Genetics 65:79–89. 2020)

Literature cited by the submitters: PubMed 31776437 (cited by Labcorp Genetics (formerly Invitae), Labcorp); DOI 10.1038/s10038-019-0695-0 (cited by Hereditary Cancer Clinic, Medical College of Georgia).